The following is an entry in ClinVar:

NM_002282.3(KRT83):c.892G>A (p.Ala298Thr)

Gene: KRT83 (keratin 83; minus strand). Cytogenetic location: 12q13.13.
Variant type: single nucleotide variant.
Coding change: c.892G>A on transcript NM_002282.3 (MANE Select); coding-DNA position 892, G replaced by A.
Protein change: p.Ala298Thr; replaces alanine 298 with threonine.
Molecular consequence: missense variant.
Genome position (GRCh38, 1-based): chr12:52,316,882, C>T on the plus strand (G>A on the coding strand, the complement: KRT83 is on the minus strand). VCF-style: chr12-52316882-C-T. GRCh37 (hg19) VCF-style: chr12-52710666-C-T.
Other names: short protein forms A298T.
Identifiers: ClinVar variation 2002336 (VCV002002336.4), dbSNP rs762326242, ClinGen allele CA384921056.

ClinVar aggregate classification (germline): Uncertain significance (1 of 4 stars; one submission).

Submission:

Labcorp Genetics (formerly Invitae), Labcorp
Classification: Uncertain significance. Last evaluated: 2022-10-24. Review status: criteria provided, single submitter. Criteria: Invitae Variant Classification Sherloc (09022015). Collection method: clinical testing. Allele origin: germline.
Comment: This variant has not been reported in the literature in individuals affected with KRT83-related conditions. Advanced modeling of protein sequence and biophysical properties (such as structural, functional, and spatial information, amino acid conservation, physicochemical variation, residue mobility, and thermodynamic stability) performed at Invitae indicates that this missense variant is not expected to disrupt KRT83 protein function. In summary, the available evidence is currently insufficient to determine the role of this variant in disease. Therefore, it has been classified as a Variant of Uncertain Significance. This variant is not present in population databases (gnomAD no frequency). This sequence change replaces alanine, which is neutral and non-polar, with threonine, which is neutral and polar, at codon 298 of the KRT83 protein (p.Ala298Thr).